The following is an entry in ClinVar:

ClinVar aggregate classification (germline): Uncertain significance (1 of 4 stars; one submission).

Conditions:
Cohen syndrome (COH1). Also called: Cutis verticis gyrata, retinitis pigmentosa, and sensorineural deafness; PEPPER SYNDROME. Identifiers: Orphanet 193, MedGen C0265223, MONDO:0008999, OMIM 216550.

Submission:

Labcorp Genetics (formerly Invitae), Labcorp
Classification: Uncertain significance for Cohen syndrome. Last evaluated: 2023-07-17. Review status: criteria provided, single submitter. Criteria: Invitae Variant Classification Sherloc (09022015). Collection method: clinical testing. Allele origin: germline.
Comment: This sequence change replaces glutamic acid, which is acidic and polar, with glutamine, which is neutral and polar, at codon 332 of the VPS13B protein (p.Glu332Gln). In summary, the available evidence is currently insufficient to determine the role of this variant in disease. Therefore, it has been classified as a Variant of Uncertain Significance. Advanced modeling of protein sequence and biophysical properties (such as structural, functional, and spatial information, amino acid conservation, physicochemical variation, residue mobility, and thermodynamic stability) performed at Invitae indicates that this missense variant is not expected to disrupt VPS13B protein function. This variant has not been reported in the literature in individuals affected with VPS13B-related conditions. This variant is not present in population databases (gnomAD no frequency).

NM_152564.5(VPS13B):c.994G>C (p.Glu332Gln)

Gene: VPS13B (vacuolar protein sorting 13 homolog B; plus strand). Cytogenetic location: 8q22.2.
Variant type: single nucleotide variant.
Coding change: c.994G>C on transcript NM_152564.5 (MANE Select); coding-DNA position 994, G replaced by C.
Protein change: p.Glu332Gln; replaces glutamic acid 332 with glutamine.
Molecular consequence: missense variant. On other transcripts: non-coding transcript variant (1).
Genome position (GRCh38, 1-based): chr8:99,121,233, G>C. VCF-style: chr8-99121233-G-C. GRCh37 (hg19) VCF-style: chr8-100133461-G-C.
Other names: c.994G>C, p.Glu332Gln (NM_015243.3, NM_017890.5, NM_181661.3); short protein forms E332Q.
Identifiers: ClinVar variation 2717707 (VCV002717707.3), dbSNP rs2488710194, ClinGen allele CA371860876.